The following is an entry in ClinVar:

ClinVar aggregate classification (germline): Likely benign. Review status: criteria provided, multiple submitters, no conflicts (2 of 4 stars). 4 submissions from 4 submitters: Likely benign (4). Last evaluated 2025-11-24.

Conditions:
Noonan syndrome 9 (NS9). Identifiers: Orphanet 648, MedGen C4225282, MONDO:0014691, OMIM 616559.
Cardiovascular phenotype. Identifiers: MedGen CN230736.

Allele frequency attached by ClinVar (database versions not stated): ExAC 0.00003; gnomAD 0.00004 and 0.00005; gnomAD exomes 0.00005 and 0.00007; TOPMed 0.00005; 1000 Genomes Project 0.00020; 1000 Genomes Project 30x 0.00031.
gnomAD v4.1: 106 of 1,613,926 alleles (0.0066%); highest among the groups gnomAD compares: Admixed American, 0.0083%; no homozygotes.

Submissions (4):

Labcorp Genetics (formerly Invitae), Labcorp
Classification: Likely benign for Noonan syndrome 9. Last evaluated: 2025-11-24. Review status: criteria provided, single submitter. Criteria: Invitae Variant Classification Sherloc (09022015). Collection method: clinical testing. Allele origin: germline.

CeGaT Center for Human Genetics Tuebingen
Classification: Likely benign. Last evaluated: 2022-09-01. Review status: criteria provided, single submitter. Criteria: CeGaT Center For Human Genetics Tuebingen Variant Classification Criteria Version 2. Collection method: clinical testing. Allele origin: germline. Affected: yes. Observed: 1 variant allele.
Comment: SOS2: BP4, BP7

Ambry Genetics
Classification: Likely benign for Cardiovascular phenotype. Last evaluated: 2022-03-17. Review status: criteria provided, single submitter. Criteria: Ambry Variant Classification Scheme 2023. Collection method: clinical testing. Allele origin: germline.

Genome-Nilou Lab
Classification: Likely benign for Noonan syndrome 9. Review status: criteria provided, single submitter. Criteria: ACMG Guidelines, 2015. Collection method: clinical testing. Allele origin: germline.

NM_006939.4(SOS2):c.837C>T (p.Ser279=)

Gene: SOS2 (SOS Ras/Rho guanine nucleotide exchange factor 2; minus strand). Cytogenetic location: 14q21.3.
Variant type: single nucleotide variant.
Coding change: c.837C>T on transcript NM_006939.4 (MANE Select); coding-DNA position 837, C replaced by T.
Protein change: p.Ser279=; no amino-acid change (serine 279 retained).
Molecular consequence: synonymous variant.
Genome position (GRCh38, 1-based): chr14:50,182,484, G>A on the plus strand (C>T on the coding strand, the complement: SOS2 is on the minus strand). VCF-style: chr14-50182484-G-A. GRCh37 (hg19) VCF-style: chr14-50649202-G-A.
Identifiers: ClinVar variation 542406 (VCV000542406.38), dbSNP rs542617984, ClinGen allele CA7177444.